The following is an entry in ClinVar:

NM_001365308.1(BMPER):c.1394T>G (p.Val465Gly)

Gene: BMPER (BMP binding endothelial regulator; plus strand). Cytogenetic location: 7p14.3.
Variant type: single nucleotide variant.
Coding change: c.1394T>G on transcript NM_001365308.1 (MANE Select); coding-DNA position 1394, T replaced by G.
Protein change: p.Val465Gly; replaces valine 465 with glycine.
Molecular consequence: missense variant. On other transcripts: intron variant (1).
Genome position (GRCh38, 1-based): chr7:34,079,172, T>G. VCF-style: chr7-34079172-T-G. GRCh37 (hg19) VCF-style: chr7-34118784-T-G.
Other names: c.1394T>G, p.Val465Gly (NM_133468.5); c.1079-6584T>G (NM_001410872.1); short protein forms V465G.
Identifiers: ClinVar variation 4776680 (VCV004776680.1).
Genomic context (GRCh38, chr7:34,079,172, plus strand): 5'-TCGCGCTCCCCTGCCGCGCGCCACACTTCCACATCGACCTGGATGGCTACCTCTTGAAAG[T>G]GACCACCAAAGCAGGTGGGGCGTCTGTGGCCTCCCTCTTGCTCTAGCCTCCGCCTCACTT-3'
Protein context (NP_001352237.1, residues 455-475): HIDLDGYLLK[Val465Gly]TTKAGLEISW

ClinVar aggregate classification (germline): Uncertain significance (1 of 4 stars; one submission).

Submission:

Labcorp Genetics (formerly Invitae), Labcorp
Classification: Uncertain significance. Last evaluated: 2025-12-01. Review status: criteria provided, single submitter. Criteria: Invitae Variant Classification Sherloc (09022015). Collection method: clinical testing. Allele origin: germline.
Comment: This sequence change replaces valine, which is neutral and non-polar, with glycine, which is neutral and non-polar, at codon 465 of the BMPER protein (p.Val465Gly). This variant is not present in population databases (gnomAD no frequency). This variant has not been reported in the literature in individuals affected with BMPER-related conditions. Invitae Evidence Modeling of protein sequence and biophysical properties (such as structural, functional, and spatial information, amino acid conservation, physicochemical variation, residue mobility, and thermodynamic stability) has been performed for this missense variant. However, the output from this modeling did not meet the statistical confidence thresholds required to predict the impact of this variant on BMPER protein function. In summary, the available evidence is currently insufficient to determine the role of this variant in disease. Therefore, it has been classified as a Variant of Uncertain Significance.